The following is an entry in ClinVar:

NM_130468.4(CHST14):c.777dup (p.Phe260fs)

Gene: CHST14 (carbohydrate sulfotransferase 14; plus strand). Cytogenetic location: 15q15.1.
Variant type: Duplication.
Coding change: c.777dup on transcript NM_130468.4 (MANE Select); coding-DNA position 777, one base duplicated (A; older notation c.777dupA).
Protein change: p.Phe260fs; shifts the reading frame from phenylalanine 260.
Molecular consequence: frameshift variant.
Genome position (GRCh38, 1-based): chr15:40,471,990, A duplicated. VCF-style (leftmost placement, unchanged base first): chr15-40471989-C-CA. GRCh37 (hg19) VCF-style: chr15-40764188-C-CA.
Other names: short protein forms F260fs.
Identifiers: ClinVar variation 3901900 (VCV003901900.1).

ClinVar aggregate classification (germline): Uncertain significance (1 of 4 stars; one submission).

Conditions:
Ehlers-Danlos syndrome, musculocontractural type 1. Identifiers: MedGen CN295219, MONDO:0020681, OMIM 601776.

Submission:

Laboratorio de Genetica e Diagnostico Molecular, Hospital Israelita Albert Einstein
Classification: Uncertain significance for Ehlers-Danlos syndrome, musculocontractural type 1. Last evaluated: 2024-12-06. Review status: criteria provided, single submitter. Criteria: ACMG Guidelines, 2015. Collection method: clinical testing. Allele origin: germline. Affected: yes.
Comment: ACMG classification criteria: PVS1 strong, PM2 supporting